The following is an entry in ClinVar:

ClinVar aggregate classification (germline): Benign/Likely benign. Review status: criteria provided, multiple submitters, no conflicts (2 of 4 stars). 5 submissions from 5 submitters: Benign (1); Likely benign (4). Last evaluated 2025-07-27.

Conditions:
Hereditary cancer-predisposing syndrome. Also called: Neoplastic Syndromes, Hereditary; Tumor predisposition; Hereditary Cancer Syndrome; Hereditary neoplastic syndrome. Identifiers: Orphanet 140162, MedGen C0027672, MeSH D009386, MONDO:0015356.
Familial cancer of breast. Also called: BREAST CANCER, FAMILIAL; hereditary breast carcinoma; Hereditary breast cancer. Identifiers: Orphanet 227535, MedGen C0346153, MONDO:0016419, OMIM 114480. Disease mechanism: loss of function.

Allele frequency attached by ClinVar (database versions not stated): gnomAD exomes below 0.00001 and 0.00001; TOPMed below 0.00001; ExAC 0.00001.
gnomAD v4.1: 21 of 1,613,876 alleles (0.0013%); highest among the groups gnomAD compares: Non-Finnish European, 0.0018%; no homozygotes.

Submissions (5):

Labcorp Genetics (formerly Invitae), Labcorp
Classification: Likely benign for Familial cancer of breast. Last evaluated: 2025-07-27. Review status: criteria provided, single submitter. Criteria: Invitae Variant Classification Sherloc (09022015). Collection method: clinical testing. Allele origin: germline.

Myriad Genetics, Inc.
Classification: Benign for Familial cancer of breast. Last evaluated: 2024-07-30. Review status: criteria provided, single submitter. Criteria: Myriad Autosomal Dominant, Autosomal Recessive and X-Linked Classification Criteria (2023). Collection method: clinical testing. Allele origin: unknown.
Comment: This variant is considered benign. This variant is a silent/synonymous amino acid change and it is not expected to impact splicing.

Color Diagnostics, LLC DBA Color Health
Classification: Likely benign for Hereditary cancer-predisposing syndrome. Last evaluated: 2020-08-04. Review status: criteria provided, single submitter. Criteria: ACMG Guidelines, 2015. Collection method: clinical testing. Allele origin: germline.

GeneDx
Classification: Likely benign. Last evaluated: 2016-08-15. Review status: criteria provided, single submitter. Criteria: GeneDx Variant Classification (06012015). Collection method: clinical testing. Allele origin: germline. Affected: yes.
Comment: This variant is considered likely benign or benign based on one or more of the following criteria: it is a conservative change, it occurs at a poorly conserved position in the protein, it is predicted to be benign by multiple in silico algorithms, and/or has population frequency not consistent with disease.

Ambry Genetics
Classification: Likely benign for Hereditary cancer-predisposing syndrome. Last evaluated: 2015-05-08. Review status: criteria provided, single submitter. Criteria: Ambry Variant Classification Scheme 2023. Collection method: clinical testing. Allele origin: germline.

NM_000465.4(BARD1):c.2333G>A (p.Ter778=)

Gene: BARD1 (BRCA1 associated RING domain 1; minus strand). Cytogenetic location: 2q35.
Variant type: single nucleotide variant.
Coding change: c.2333G>A on transcript NM_000465.4 (MANE Select); coding-DNA position 2333, G replaced by A.
Protein change: p.Ter778=.
Molecular consequence: synonymous variant. On other transcripts: non-coding transcript variant (3).
Genome position (GRCh38, 1-based): chr2:214,728,677, C>T on the plus strand (G>A on the coding strand, the complement: BARD1 is on the minus strand). VCF-style: chr2-214728677-C-T. GRCh37 (hg19) VCF-style: chr2-215593401-C-T.
Other names: c.2276G>A, p.Ter759= (NM_001282543.2); c.980G>A, p.Ter327= (NM_001282545.2); c.923G>A, p.Ter308= (NM_001282548.2); c.794G>A, p.Ter265= (NM_001282549.2).
Identifiers: ClinVar variation 231736 (VCV000231736.13), dbSNP rs776958611, ClinGen allele CA2090048.